The following is an entry in ClinVar:

NM_000059.4(BRCA2):c.3704A>C (p.Gln1235Pro)

Gene: BRCA2 (BRCA2 DNA repair associated; plus strand). Cytogenetic location: 13q13.1.
Variant type: single nucleotide variant.
Coding change: c.3704A>C on transcript NM_000059.4 (MANE Select); coding-DNA position 3704, A replaced by C.
Protein change: p.Gln1235Pro; replaces glutamine 1235 with proline.
Molecular consequence: missense variant. On other transcripts: non-coding transcript variant (1), intron variant (2).
Genome position (GRCh38, 1-based): chr13:32,338,059, A>C. VCF-style: chr13-32338059-A-C. GRCh37 (hg19) VCF-style: chr13-32912196-A-C.
Other names: c.3704A>C, p.Gln1235Pro (NM_001406719.1, NM_001406720.1); c.1909+4672A>C (NM_001406721.1); c.425-6499A>C (NM_001406722.1); short protein forms Q1235P.
Identifiers: ClinVar variation 2986322 (VCV002986322.6), dbSNP rs1060502424, ClinGen allele CA387778053.

ClinVar aggregate classification (germline): Uncertain significance. Review status: criteria provided, multiple submitters, no conflicts (2 of 4 stars). 3 submissions from 3 submitters: Uncertain significance (3). Last evaluated 2025-05-25.

Conditions:
Familial cancer of breast. Also called: BREAST CANCER, FAMILIAL; Hereditary breast cancer; hereditary breast carcinoma. Identifiers: Orphanet 227535, MedGen C0346153, MONDO:0016419, OMIM 114480. Disease mechanism: loss of function.
Hereditary cancer-predisposing syndrome. Also called: Tumor predisposition; Hereditary neoplastic syndrome; Hereditary Cancer Syndrome; Neoplastic Syndromes, Hereditary. Identifiers: Orphanet 140162, MedGen C0027672, MeSH D009386, MONDO:0015356.
Hereditary breast ovarian cancer syndrome. Also called: Hereditary breast and ovarian cancer; Hereditary breast and ovarian cancer syndrome (HBOC); Breast and ovarian cancer; Hereditary breast and/or ovarian cancer syndrome; Hereditary breast and ovarian cancer syndrome; BRCA1- and BRCA2-Associated Hereditary Breast and Ovarian Cancer. Identifiers: Orphanet 145, MedGen C0677776, MeSH D061325, MONDO:0003582. Disease mechanism: loss of function.

Submissions (3):

Ambry Genetics
Classification: Uncertain significance for Hereditary cancer-predisposing syndrome. Last evaluated: 2025-05-25. Review status: criteria provided, single submitter. Criteria: Ambry Variant Classification Scheme 2023. Collection method: clinical testing. Allele origin: germline.
Comment: The p.Q1235P variant (also known as c.3704A>C), located in coding exon 10 of the BRCA2 gene, results from an A to C substitution at nucleotide position 3704. The glutamine at codon 1235 is replaced by proline, an amino acid with similar properties. This amino acid position is not well conserved in available vertebrate species. In addition, the in silico prediction for this alteration is inconclusive. Based on the available evidence, the clinical significance of this variant remains unclear.

KCCC/NGS Laboratory, Kuwait Cancer Control Center
Classification: Uncertain significance for Familial cancer of breast. Last evaluated: 2024-07-31. Review status: criteria provided, single submitter. Criteria: ACMG Guidelines, 2015. Collection method: clinical testing. Allele origin: germline. Inheritance: Autosomal dominant inheritance. Affected: yes. Observed: 1 heterozygote.
Comment: This sequence change replaces glutamine, which is neutral and polar, with proline, which is neutral and non-polar, at codon 1235 of the BRCA2 protein (p.Gln1235Pro).This aminoacid not highly conservative . This variant is not present in population databases (gnomAD no frequency). This variant has not been reported in the literature in individuals affected with BRCA2-related conditions. In silico predication show pathogenic effect of this variant. In summary, the available evidence is currently insufficient to determine the role of this variant in disease. Therefore, it has been classified as a Variant of Uncertain Significance.

Labcorp Genetics (formerly Invitae), Labcorp
Classification: Uncertain significance for Hereditary breast ovarian cancer syndrome. Last evaluated: 2022-11-29. Review status: criteria provided, single submitter. Criteria: Invitae Variant Classification Sherloc (09022015). Collection method: clinical testing. Allele origin: germline.
Comment: In summary, the available evidence is currently insufficient to determine the role of this variant in disease. Therefore, it has been classified as a Variant of Uncertain Significance. Advanced modeling of protein sequence and biophysical properties (such as structural, functional, and spatial information, amino acid conservation, physicochemical variation, residue mobility, and thermodynamic stability) performed at Invitae indicates that this missense variant is not expected to disrupt BRCA2 protein function. This variant has not been reported in the literature in individuals affected with BRCA2-related conditions. This variant is not present in population databases (gnomAD no frequency). This sequence change replaces glutamine, which is neutral and polar, with proline, which is neutral and non-polar, at codon 1235 of the BRCA2 protein (p.Gln1235Pro).